The following is an entry in ClinVar:

ClinVar aggregate classification (germline): Likely benign (1 of 4 stars; one submission).

Conditions:
MPZL2-related disorder. Also called: MPZL2-related condition.

gnomAD v4.1: 20 of 1,614,132 alleles (0.0012%); highest among the groups gnomAD compares: South Asian, 0.0099%; no homozygotes.

Submission:

PreventionGenetics, part of Exact Sciences
Classification: Likely benign for MPZL2-related condition. Last evaluated: 2026-08-27. Review status: criteria provided, single submitter. Criteria: ACMG Guidelines, 2015. Collection method: clinical testing. Allele origin: germline.
Comment: This variant is classified as likely benign based on ACMG/AMP sequence variant interpretation guidelines (Richards et al. 2015 PMID: 25741868, with internal and published modifications).

NM_005797.4(MPZL2):c.33T>G (p.Leu11=)

Gene: MPZL2 (myelin protein zero like 2; minus strand). Cytogenetic location: 11q23.3.
Variant type: single nucleotide variant.
Coding change: c.33T>G on transcript NM_005797.4 (MANE Select); coding-DNA position 33, T replaced by G.
Protein change: p.Leu11=; no amino-acid change (leucine 11 retained).
Molecular consequence: synonymous variant.
Genome position (GRCh38, 1-based): chr11:118,264,121, A>C on the plus strand (T>G on the coding strand, the complement: MPZL2 is on the minus strand). VCF-style: chr11-118264121-A-C. GRCh37 (hg19) VCF-style: chr11-118134836-A-C.
Other names: c.33T>G, p.Leu11= (NM_144765.3).
Identifiers: ClinVar variation 4979789 (VCV004979789.1).